The following is an entry in ClinVar:

NM_199355.4(ADAMTS18):c.2467C>T (p.Arg823Cys)

Gene: ADAMTS18 (ADAM metallopeptidase with thrombospondin type 1 motif 18; minus strand). Cytogenetic location: 16q23.1.
Variant type: single nucleotide variant.
Coding change: c.2467C>T on transcript NM_199355.4 (MANE Select); coding-DNA position 2467, C replaced by T.
Protein change: p.Arg823Cys; replaces arginine 823 with cysteine.
Molecular consequence: missense variant.
Genome position (GRCh38, 1-based): chr16:77,319,914, G>A on the plus strand (C>T on the coding strand, the complement: ADAMTS18 is on the minus strand). VCF-style: chr16-77319914-G-A. GRCh37 (hg19) VCF-style: chr16-77353811-G-A.
Other names: c.1951C>T, p.Arg651Cys (NM_001326358.2); short protein forms R651C, R823C.
Identifiers: ClinVar variation 1523614 (VCV001523614.3), dbSNP rs1327426602, ClinGen allele CA396827377.

ClinVar aggregate classification (germline): Uncertain significance (1 of 4 stars; one submission).

Allele frequency attached by ClinVar (database versions not stated): gnomAD exomes 0.00001; TOPMed 0.00003; gnomAD 0.00001.
gnomAD v4.1: 11 of 1,614,032 alleles (0.00068%); highest among the groups gnomAD compares: South Asian, 0.0022%; no homozygotes.

Submission:

Labcorp Genetics (formerly Invitae), Labcorp
Classification: Uncertain significance. Last evaluated: 2022-07-11. Review status: criteria provided, single submitter. Criteria: Invitae Variant Classification Sherloc (09022015). Collection method: clinical testing. Allele origin: germline.
Comment: This sequence change replaces arginine with cysteine at codon 823 of the ADAMTS18 protein (p.Arg823Cys). The arginine residue is highly conserved and there is a large physicochemical difference between arginine and cysteine. This variant is present in population databases (no rsID available, gnomAD 0.004%). This variant has not been reported in the literature in individuals affected with ADAMTS18-related conditions. ClinVar contains an entry for this variant (Variation ID: 1523614). Algorithms developed to predict the effect of missense changes on protein structure and function are either unavailable or do not agree on the potential impact of this missense change (SIFT: "Not Available"; PolyPhen-2: "Probably Damaging"; Align-GVGD: "Not Available"). In summary, the available evidence is currently insufficient to determine the role of this variant in disease. Therefore, it has been classified as a Variant of Uncertain Significance.